The following is an entry in ClinVar:

ClinVar aggregate classification (germline): Uncertain significance. Review status: criteria provided, multiple submitters, no conflicts (2 of 4 stars). 2 submissions from 2 submitters: Uncertain significance (2). Last evaluated 2021-08-24.

Allele frequency attached by ClinVar (database versions not stated): TOPMed below 0.00001; gnomAD 0.00001.
gnomAD v4.1: 2 of 1,613,726 alleles (0.00012%); highest among the groups gnomAD compares: Non-Finnish European, 0.000085%; no homozygotes.

Submissions (2):

Blueprint Genetics
Classification: Uncertain significance. Last evaluated: 2021-08-24. Review status: criteria provided, single submitter. Criteria: ACMG Guidelines, 2015. Collection method: clinical testing. Allele origin: germline.

Labcorp Genetics (formerly Invitae), Labcorp
Classification: Uncertain significance. Last evaluated: 2020-08-17. Review status: criteria provided, single submitter. Criteria: Invitae Variant Classification Sherloc (09022015). Collection method: clinical testing. Allele origin: germline.
Comment: In summary, the available evidence is currently insufficient to determine the role of this variant in disease. Therefore, it has been classified as a Variant of Uncertain Significance. Algorithms developed to predict the effect of missense changes on protein structure and function are either unavailable or do not agree on the potential impact of this missense change (SIFT: "Deleterious"; PolyPhen-2: "Possibly Damaging"; Align-GVGD: "Class C15"). This variant has not been reported in the literature in individuals with EFEMP1-related conditions. This variant is not present in population databases (ExAC no frequency). This sequence change replaces valine with methionine at codon 406 of the EFEMP1 protein (p.Val406Met). The valine residue is highly conserved and there is a small physicochemical difference between valine and methionine.

NM_001039348.3(EFEMP1):c.1216G>A (p.Val406Met)

Gene: EFEMP1 (EGF-like fibulin extracellular matrix protein 1; minus strand). Cytogenetic location: 2p16.1.
Variant type: single nucleotide variant.
Coding change: c.1216G>A on transcript NM_001039348.3 (MANE Select); coding-DNA position 1216, G replaced by A.
Protein change: p.Val406Met; replaces valine 406 with methionine.
Molecular consequence: missense variant.
Genome position (GRCh38, 1-based): chr2:55,870,824, C>T on the plus strand (G>A on the coding strand, the complement: EFEMP1 is on the minus strand). VCF-style: chr2-55870824-C-T. GRCh37 (hg19) VCF-style: chr2-56097959-C-T.
Other names: c.1216G>A, p.Val406Met (NM_001039349.3); short protein forms V406M.
Identifiers: ClinVar variation 1035306 (VCV001035306.9), dbSNP rs1668777682, ClinGen allele CA347028039.